The following is an entry in ClinVar:

NM_014991.6(WDFY3):c.2530G>A (p.Ala844Thr)

Genes: WDFY3-AS1 (WDFY3 antisense RNA 1; plus strand), WDFY3 (WD repeat and FYVE domain containing 3; minus strand). Cytogenetic location: 4q21.23.
Variant type: single nucleotide variant.
Coding change: c.2530G>A on transcript NM_014991.6 (MANE Select); coding-DNA position 2530, G replaced by A.
Protein change: p.Ala844Thr; replaces alanine 844 with threonine.
Molecular consequence: missense variant. On other transcripts: non-coding transcript variant (1).
Genome position (GRCh38, 1-based): chr4:84,803,367, C>T on the plus strand (G>A on the coding strand, the complement: WDFY3 is on the minus strand). VCF-style: chr4-84803367-C-T. GRCh37 (hg19) VCF-style: chr4-85724520-C-T.
Other names: short protein forms A844T.
Identifiers: ClinVar variation 3768312 (VCV003768312.1).

ClinVar aggregate classification (germline): Uncertain significance (1 of 4 stars; one submission).

gnomAD v4.1: 6 of 1,614,096 alleles (0.00037%); highest among the groups gnomAD compares: South Asian, 0.0066%; no homozygotes.

Submission:

Women's Health and Genetics/Laboratory Corporation of America, LabCorp
Classification: Uncertain significance. Last evaluated: 2024-12-03. Review status: criteria provided, single submitter. Criteria: LabCorp Variant Classification Summary - May 2015. Collection method: clinical testing. Allele origin: germline.
Comment: Variant summary: WDFY3 c.2530G>A (p.Ala844Thr) results in a non-conservative amino acid change located in the Armadillo-like repeats (IPR056252) of the encoded protein sequence. Three of five in-silico tools predict a benign effect of the variant on protein function. The variant allele was found at a frequency of 8e-06 in 251370 control chromosomes. The available data on variant occurrences in the general population are insufficient to allow any conclusion about variant significance. To our knowledge, no occurrence of c.2530G>A in individuals affected with Microcephaly 18, Primary, Autosomal Dominant and no experimental evidence demonstrating its impact on protein function have been reported. No submitters have cited clinical-significance assessments for this variant to ClinVar. Based on the evidence outlined above, the variant was classified as uncertain significance.